The following is an entry in ClinVar:

ClinVar aggregate classification (germline): Conflicting classifications of pathogenicity. Review status: criteria provided, conflicting classifications (1 of 4 stars). 7 submissions from 7 submitters: Uncertain significance (5); Likely benign (2). Last evaluated 2025-11-25.

Conditions:
Autosomal recessive nonsyndromic hearing loss 8 (DFNB8). Also called: Deafness, autosomal recessive 10; NEUROSENSORY NONSYNDROMIC RECESSIVE DEAFNESS 8. Identifiers: Orphanet 90636, MedGen C1832827, MONDO:0010987, OMIM 601072.

Allele frequency attached by ClinVar (database versions not stated): ExAC 0.00065; gnomAD 0.00071 and 0.00072; gnomAD exomes 0.00071; ESP Exome Variant Server 0.00077; TOPMed 0.00085; 1000 Genomes Project 30x 0.00109; 1000 Genomes Project 0.00120.
gnomAD v4.1: 1,874 of 1,613,926 alleles (0.12%); highest among the groups gnomAD compares: Non-Finnish European, 0.15%; 3 homozygotes.

Submissions (7):

Labcorp Genetics (formerly Invitae), Labcorp
Classification: Likely benign. Last evaluated: 2025-11-25. Review status: criteria provided, single submitter. Criteria: Invitae Variant Classification Sherloc (09022015). Collection method: clinical testing. Allele origin: germline.

Blueprint Genetics
Classification: Uncertain significance. Last evaluated: 2024-11-20. Review status: criteria provided, single submitter. Criteria: ACMG Guidelines, 2015. Collection method: clinical testing. Allele origin: germline.

Mayo Clinic Laboratories, Mayo Clinic
Classification: Uncertain significance. Last evaluated: 2022-11-02. Review status: criteria provided, single submitter. Criteria: ACMG Guidelines, 2015. Collection method: clinical testing. Allele origin: germline. Observed: 1 variant allele.
Comment: BS1_supporting

GeneDx
Classification: Uncertain significance. Last evaluated: 2021-04-05. Review status: criteria provided, single submitter. Criteria: GeneDx Variant Classification Process June 2021. Collection method: clinical testing. Allele origin: germline. Affected: yes.
Comment: In silico analysis supports that this missense variant does not alter protein structure/function; Has not been previously published as pathogenic or benign to our knowledge

Laboratory for Molecular Medicine, Mass General Brigham Personalized Medicine
Classification: Likely benign. Last evaluated: 2019-03-19. Review status: criteria provided, single submitter. Criteria: LMM Criteria. Collection method: clinical testing. Allele origin: germline. Observed: 8 variant alleles.
Comment: The p.Asp348Asn variant in TMPRSS3 is classified as likely benign because it has been identified in 0.1% (145/128962) of European chromosomes by gnomAD, and computational prediction tools predict that this variant does not impact the protein. Although it has been identified by our laboratory in 8 individuals with hearing loss, none of these individuals carried a second TMPRSS3 variant, and 1 individual had an alternate genetic etiology. ACMG/AMP Criteria applied: BS1_Supporting, BP4.

Fulgent Genetics
Classification: Uncertain significance for Autosomal recessive nonsyndromic hearing loss 8. Last evaluated: 2018-10-31. Review status: criteria provided, single submitter. Criteria: ACMG Guidelines, 2015. Collection method: clinical testing. Allele origin: unknown.

Illumina Laboratory Services, Illumina
Classification: Uncertain significance for Autosomal recessive nonsyndromic hearing loss 8. Last evaluated: 2018-01-13. Review status: criteria provided, single submitter. Criteria: ICSL Variant Classification Criteria 13 December 2019. Collection method: clinical testing. Allele origin: germline.

NM_001256317.3(TMPRSS3):c.1042G>A (p.Asp348Asn)

Gene: TMPRSS3 (transmembrane serine protease 3; minus strand). Cytogenetic location: 21q22.3.
Variant type: single nucleotide variant.
Coding change: c.1042G>A on transcript NM_001256317.3 (MANE Select); coding-DNA position 1042, G replaced by A.
Protein change: p.Asp348Asn; replaces aspartic acid 348 with asparagine.
Molecular consequence: missense variant.
Genome position (GRCh38, 1-based): chr21:42,380,123, C>T on the plus strand (G>A on the coding strand, the complement: TMPRSS3 is on the minus strand). VCF-style: chr21-42380123-C-T. GRCh37 (hg19) VCF-style: chr21-43800232-C-T.
Other names: c.1042G>A, p.Asp348Asn (NM_024022.4); c.661G>A, p.Asp221Asn (NM_032404.3); short protein forms D348N, D221N.
Identifiers: ClinVar variation 46094 (VCV000046094.23), dbSNP rs111033261, ClinGen allele CA137672.